The following is an entry in ClinVar:

ClinVar aggregate classification (germline): Uncertain significance. Review status: criteria provided, multiple submitters, no conflicts (2 of 4 stars). 2 submissions from 2 submitters: Uncertain significance (2). Last evaluated 2025-10-11.

Conditions:
Hereditary cancer-predisposing syndrome. Also called: Hereditary Cancer Syndrome; Hereditary neoplastic syndrome; Neoplastic Syndromes, Hereditary; Tumor predisposition. Identifiers: Orphanet 140162, MedGen C0027672, MeSH D009386, MONDO:0015356.
Oligodontia-cancer predisposition syndrome. Also called: TOOTH AGENESIS-COLORECTAL CANCER SYNDROME. Identifiers: Orphanet 300576, MedGen C1837750, MONDO:0012075, OMIM 608615. Disease mechanism: loss of function.

gnomAD v4.1: 2 of 1,611,826 alleles (0.00012%); highest among the groups gnomAD compares: Non-Finnish European, 0.000085%; no homozygotes.

Submissions (2):

Labcorp Genetics (formerly Invitae), Labcorp
Classification: Uncertain significance for Oligodontia-cancer predisposition syndrome. Last evaluated: 2025-10-11. Review status: criteria provided, single submitter. Criteria: Invitae Variant Classification Sherloc (09022015). Collection method: clinical testing. Allele origin: germline.
Comment: This sequence change replaces alanine, which is neutral and non-polar, with serine, which is neutral and polar, at codon 591 of the AXIN2 protein (p.Ala591Ser). The frequency data for this variant in the population databases is considered unreliable, as metrics indicate poor data quality at this position in the gnomAD database. This variant has not been reported in the literature in individuals affected with AXIN2-related conditions. ClinVar contains an entry for this variant (Variation ID: 408783). Invitae Evidence Modeling of protein sequence and biophysical properties (such as structural, functional, and spatial information, amino acid conservation, physicochemical variation, residue mobility, and thermodynamic stability) indicates that this missense variant is not expected to disrupt AXIN2 protein function with a negative predictive value of 80%. In summary, the available evidence is currently insufficient to determine the role of this variant in disease. Therefore, it has been classified as a Variant of Uncertain Significance.

Ambry Genetics
Classification: Uncertain significance for Hereditary cancer-predisposing syndrome. Last evaluated: 2022-06-24. Review status: criteria provided, single submitter. Criteria: Ambry Variant Classification Scheme 2023. Collection method: clinical testing. Allele origin: germline.
Comment: The p.A591S variant (also known as c.1771G>T), located in coding exon 6 of the AXIN2 gene, results from a G to T substitution at nucleotide position 1771. The alanine at codon 591 is replaced by serine, an amino acid with similar properties. This amino acid position is conserved. In addition, this alteration is predicted to be tolerated by in silico analysis. Since supporting evidence is limited at this time, the clinical significance of this alteration remains unclear.

NM_004655.4(AXIN2):c.1771G>T (p.Ala591Ser)

Gene: AXIN2 (axin 2; minus strand). Cytogenetic location: 17q24.1.
Variant type: single nucleotide variant.
Coding change: c.1771G>T on transcript NM_004655.4 (MANE Select); coding-DNA position 1771, G replaced by T.
Protein change: p.Ala591Ser; replaces alanine 591 with serine.
Molecular consequence: missense variant. On other transcripts: intron variant (1).
Genome position (GRCh38, 1-based): chr17:65,537,005, C>A on the plus strand (G>T on the coding strand, the complement: AXIN2 is on the minus strand). VCF-style: chr17-65537005-C-A. GRCh37 (hg19) VCF-style: chr17-63533123-C-A.
Other names: c.1771G>T (LRG_296t1); c.1712+319G>T (NM_001363813.1); short protein forms A591S.
Identifiers: ClinVar variation 408783 (VCV000408783.11), dbSNP rs754833574, ClinGen allele CA16615578.